The following is an entry in ClinVar:

NM_006766.5(KAT6A):c.5566del (p.Ser1856fs)

Gene: KAT6A (lysine acetyltransferase 6A; minus strand). Cytogenetic location: 8p11.21.
Variant type: Deletion.
Coding change: c.5566del on transcript NM_006766.5 (MANE Select); coding-DNA position 5566, one base deleted (T; older notation c.5566delT).
Protein change: p.Ser1856fs; shifts the reading frame from serine 1856.
Molecular consequence: frameshift variant.
Genome position (GRCh38, 1-based): chr8:41,932,654, A deleted on the plus strand (T on the coding strand, the reverse complement: KAT6A is on the minus strand); the first of 3 consecutive A bases (chr8:41,932,654-41,932,656); deleting any one gives the same sequence. VCF-style (leftmost placement, unchanged base first): chr8-41932653-GA-G. GRCh37 (hg19) VCF-style: chr8-41790171-GA-G.
Other names: short protein forms S1856fs.
Identifiers: ClinVar variation 817973 (VCV000817973.1), dbSNP rs1587706119, ClinGen allele CA915945663.

ClinVar aggregate classification (germline): Pathogenic (1 of 4 stars; one submission).

Submission:

GeneDx
Classification: Pathogenic. Last evaluated: 2019-01-07. Review status: criteria provided, single submitter. Criteria: GeneDx Variant Classification (06012015). Collection method: clinical testing. Allele origin: germline. Affected: yes.
Comment: The c.5566delT pathogenic variant in the KAT6A gene causes a frameshift starting with codon Serine 1856, changes this amino acid to a Proline residue and creates a premature Stop codon at position 42 of the new reading frame, denoted p.Ser1856ProfsX42. This frameshift variant in the C-terminus is predicted to result in protein truncation, as the last 149 amino acids are lost and replaced with 41 incorrect amino acids. The c.5566delT variant is not observed in large population cohorts (Lek et al., 2016).